The following is an entry in ClinVar:

ClinVar aggregate classification (germline): Likely pathogenic. Review status: criteria provided, multiple submitters, no conflicts (2 of 4 stars). 2 submissions from 2 submitters: Likely pathogenic (2). Last evaluated 2023-07-19.

Conditions:
Cardiovascular phenotype. Identifiers: MedGen CN230736.
Catecholaminergic polymorphic ventricular tachycardia 1. Also called: RYR2-Related Catecholaminergic Polymorphic Ventricular Tachycardia; VENTRICULAR TACHYCARDIA, STRESS-INDUCED POLYMORPHIC 1; VENTRICULAR TACHYCARDIA, CATECHOLAMINERGIC POLYMORPHIC, 1, WITH OR WITHOUT ATRIAL DYSFUNCTION AND/OR DILATED CARDIOMYOPATHY. Identifiers: Orphanet 3286, MedGen C1631597, MONDO:0011484, OMIM 604772.

Submissions (2):

Ambry Genetics
Classification: Likely pathogenic for Cardiovascular phenotype. Last evaluated: 2023-07-19. Review status: criteria provided, single submitter. Criteria: Ambry Variant Classification Scheme 2023. Collection method: clinical testing. Allele origin: germline.
Comment: The c.319+2T>G intronic variant results from a T to G substitution two nucleotides after coding exon 2 in the CASQ2 gene. This variant is considered to be rare based on population cohorts in the Genome Aggregation Database (gnomAD). This nucleotide position is highly conserved in available vertebrate species. In silico splice site analysis predicts that this alteration will weaken the native splice donor site. Alterations that disrupt the canonical splice site are expected to cause aberrant splicing, resulting in an abnormal protein or a transcript that is subject to nonsense-mediated mRNA decay. As such, this alteration is classified as likely pathogenic.

Labcorp Genetics (formerly Invitae), Labcorp
Classification: Likely pathogenic for Catecholaminergic polymorphic ventricular tachycardia 1. Last evaluated: 2023-01-10. Review status: criteria provided, single submitter. Criteria: Invitae Variant Classification Sherloc (09022015). Collection method: clinical testing. Allele origin: germline.
Comment: Algorithms developed to predict the effect of sequence changes on RNA splicing suggest that this variant may disrupt the consensus splice site. In summary, the currently available evidence indicates that the variant is pathogenic, but additional data are needed to prove that conclusively. Therefore, this variant has been classified as Likely Pathogenic. This variant has not been reported in the literature in individuals affected with CASQ2-related conditions. This variant is not present in population databases (gnomAD no frequency). This sequence change affects a donor splice site in intron 2 of the CASQ2 gene. It is expected to disrupt RNA splicing. Variants that disrupt the donor or acceptor splice site typically lead to a loss of protein function (PMID: 16199547), and loss-of-function variants in CASQ2 are known to be pathogenic (PMID: 12386154).

Literature cited by the submitters: PubMed 16199547 (cited by Labcorp Genetics (formerly Invitae), Labcorp); PubMed 12386154 (cited by Labcorp Genetics (formerly Invitae), Labcorp).

NM_001232.4(CASQ2):c.319+2T>G

Gene: CASQ2 (calsequestrin 2; minus strand). Cytogenetic location: 1p13.1.
Variant type: single nucleotide variant.
Coding change: c.319+2T>G on transcript NM_001232.4 (MANE Select); the canonical splice donor site of the intron after coding-DNA position 319, T replaced by G.
Molecular consequence: splice donor variant.
Genome position (GRCh38, 1-based): chr1:115,744,826, A>C on the plus strand (T>G on the coding strand, the complement: CASQ2 is on the minus strand). VCF-style: chr1-115744826-A-C. GRCh37 (hg19) VCF-style: chr1-116287447-A-C.
Other names: c.319+2T>G (NM_001232.3).
Identifiers: ClinVar variation 2089290 (VCV002089290.6), dbSNP rs2526031776, ClinGen allele CA341765204.